The following is an entry in ClinVar:

ClinVar aggregate classification (germline): Likely benign (0 of 4 stars; one submission).

Conditions:
SH2B1-related disorder. Also called: SH2B1-related condition.

gnomAD v4.1: 5 of 1,575,062 alleles (0.00032%); highest among the groups gnomAD compares: South Asian, 0.0033%; no homozygotes.

Submission:

PreventionGenetics, part of Exact Sciences
Classification: Likely benign for SH2B1-related condition. Last evaluated: 2020-08-24. Review status: no assertion criteria provided. Collection method: clinical testing. Allele origin: germline.
Comment: This variant is classified as likely benign based on ACMG/AMP sequence variant interpretation guidelines (Richards et al. 2015 PMID: 25741868, with internal and published modifications).

NM_001387430.1(SH2B1):c.1513+6G>A

Gene: SH2B1 (SH2B adaptor protein 1; plus strand). Cytogenetic location: 16p11.2.
Variant type: single nucleotide variant.
Coding change: c.1513+6G>A on transcript NM_001387430.1 (MANE Select); 6 bases into the intron after coding-DNA position 1513, G replaced by A.
Molecular consequence: intron variant.
Genome position (GRCh38, 1-based): chr16:28,871,989, G>A. VCF-style: chr16-28871989-G-A. GRCh37 (hg19) VCF-style: chr16-28883310-G-A.
Other names: c.1513+6G>A (NM_001308293.2, NM_001387404.1, NM_015503.3 and 4 more transcripts); c.505+6G>A (NM_001308294.2).
Identifiers: ClinVar variation 3350883 (VCV003350883.1).
Genomic context (GRCh38, chr16:28,871,989, plus strand): 5'-GTTCATCCCCTCTCAGCCCCCTACCCTCCCTTGGACACTCCGGAAACAGCCACAGGTACC[G>A]GAGGTGTGAGTGTGCATGTCTCCAGGCCTGGGTGCCTACCTTCCTGACCACCTCTCCTGG-3'